The following is an entry in ClinVar:

NM_018116.4(MSTO1):c.571C>T (p.Arg191Trp)

Gene: MSTO1 (misato mitochondrial distribution and morphology regulator 1; plus strand). Cytogenetic location: 1q22.
Variant type: single nucleotide variant.
Coding change: c.571C>T on transcript NM_018116.4 (MANE Select); coding-DNA position 571, C replaced by T.
Protein change: p.Arg191Trp; replaces arginine 191 with tryptophan.
Molecular consequence: missense variant. On other transcripts: non-coding transcript variant (6).
Genome position (GRCh38, 1-based): chr1:155,611,993, C>T. VCF-style: chr1-155611993-C-T. GRCh37 (hg19) VCF-style: chr1-155581784-C-T.
Other names: p.Arg191Trp; c.571C>T, p.Arg191Trp (NM_001256532.1, NM_001256533.1, NM_001350772.1 and 3 more transcripts); c.406C>T, p.Arg136Trp (NM_001350776.1); c.40C>T, p.Arg14Trp (NM_001350777.1, NM_001350778.1, NM_001350779.1); c.37C>T, p.Arg13Trp (NM_001350780.1, NM_001350781.1, NM_001350782.1 and 3 more transcripts); c.28C>T, p.Arg10Trp (NM_001350784.1, NM_001350785.1, NM_001350787.1 and 1 more transcripts); short protein forms R13W, R191W, R14W, R10W, R136W.
Identifiers: ClinVar variation 830044 (VCV000830044.24), dbSNP rs777651549, ClinGen allele CA1147951.

ClinVar aggregate classification (germline): Uncertain significance. Review status: criteria provided, multiple submitters, no conflicts (2 of 4 stars). 4 submissions from 4 submitters: Uncertain significance (4). Last evaluated 2025-09-24.

Conditions:
Mitochondrial myopathy-cerebellar ataxia-pigmentary retinopathy syndrome. Also called: MYOPATHY, MITOCHONDRIAL, AND ATAXIA. Identifiers: Orphanet 502423, MedGen C4540096, MONDO:0044714, OMIM 617675.

Allele frequency attached by ClinVar (database versions not stated): gnomAD 0.00009; gnomAD exomes 0.00011 and 0.00028; ExAC 0.00023; 1000 Genomes Project 30x 0.00031.

Submissions (4):

Genesolutions, Medical Genetics Institutes, Ho Chi Minh City, Vietnam
Classification: Uncertain significance for Mitochondrial myopathy-cerebellar ataxia-pigmentary retinopathy syndrome. Last evaluated: 2025-09-24. Review status: criteria provided, single submitter. Criteria: ACMG Guidelines, 2015. Collection method: clinical testing. Allele origin: germline. Affected: yes.

CeGaT Center for Human Genetics Tuebingen
Classification: Uncertain significance. Last evaluated: 2024-04-01. Review status: criteria provided, single submitter. Criteria: CeGaT Center For Human Genetics Tuebingen Variant Classification Criteria Version 2. Collection method: clinical testing. Allele origin: germline. Affected: yes. Observed: 1 variant allele.
Comment: MSTO1: PM2, PP2

Mayo Clinic Laboratories, Mayo Clinic
Classification: Uncertain significance. Last evaluated: 2024-02-13. Review status: criteria provided, single submitter. Criteria: ACMG Guidelines, 2015. Collection method: clinical testing. Allele origin: germline. Observed: 1 variant allele.
Comment: PP1, PM3

Prenatal Diagnosis Center, Jiangxi Provincial Maternal and Child Care Hospital
Classification: Uncertain significance for Mitochondrial myopathy-cerebellar ataxia-pigmentary retinopathy syndrome. Last evaluated: 2019-10-20. Review status: criteria provided, single submitter. Criteria: ACMG Guidelines, 2015. Collection method: clinical testing. Allele origin: maternal. Inheritance: Autosomal recessive inheritance. Affected: yes. Observed: 2 variant alleles, 2 compound heterozygotes. Clinical features observed: Ataxia (HP:0001251), Cerebellar hypoplasia (HP:0001321), Specific learning disability (HP:0001328), Delayed speech and language development (HP:0000750).

Literature cited by the submitters: PubMed 35598585 (cited by Mayo Clinic Laboratories, Mayo Clinic); PubMed 36468072 (cited by Mayo Clinic Laboratories, Mayo Clinic).